The following continues an entry in ClinVar:

NM_000083.3(CLCN1):c.180+3A>T

Gene: CLCN1. ClinVar aggregate classification (germline): Pathogenic/Likely pathogenic. Pathogenic (19); Likely pathogenic (2).

Submissions 14 to 21 of 21:

Institute of Medical Genetics and Applied Genomics, University Hospital Tübingen
Classification: Pathogenic for Congenital myotonia, autosomal dominant form. Last evaluated: 2022-12-07. Review status: criteria provided, single submitter. Criteria: ACMG Guidelines, 2015. Collection method: clinical testing. Allele origin: germline. Inheritance: Autosomal recessive inheritance. Affected: yes.

Institute of Human Genetics, University of Leipzig Medical Center
Classification: Pathogenic for Congenital myotonia, autosomal recessive form. Last evaluated: 2022-11-23. Review status: criteria provided, single submitter. Criteria: ACMG Guidelines, 2015. Collection method: clinical testing. Allele origin: maternal. Inheritance: Autosomal recessive inheritance. Affected: yes.

MGZ Medical Genetics Center
Classification: Pathogenic for Congenital myotonia, autosomal recessive form. Last evaluated: 2022-07-19. Review status: criteria provided, single submitter. Criteria: ACMG Guidelines, 2015. Collection method: clinical testing. Allele origin: germline. Affected: yes. Observed: 4 variant alleles.
Comment: ACMG criteria applied: PS3, PM3_STR, PS4_MOD, PP1_MOD, PM2_SUP, PP3

Kariminejad - Najmabadi Pathology & Genetics Center
Classification: Likely pathogenic for Congenital myotonia, autosomal recessive form. Last evaluated: 2021-04-20. Review status: criteria provided, single submitter. Criteria: ACMG Guidelines, 2015. Collection method: clinical testing. Allele origin: germline. Inheritance: Autosomal recessive inheritance. Affected: yes.
Comment: PM2 PP5

GeneDx
Classification: Pathogenic. Last evaluated: 2021-03-04. Review status: criteria provided, single submitter. Criteria: GeneDx Variant Classification Process June 2021. Collection method: clinical testing. Allele origin: germline. Affected: yes.
Comment: In silico analysis, which includes splice predictors and evolutionary conservation, supports a deleterious effect; This variant is associated with the following publications: (PMID: 26502825, 24452722, 24515601, 23739125, 18337730, 24349310, 23810313, 18337100, 25065301, 24037712, 9040760, 28325641, 22094069, 25741868, 32117024, 31544778, 32655465, 29935101, 29606556, 28662944, 31589614, 33258288)

Institute of Human Genetics Munich, TUM University Hospital
Classification: Pathogenic for Congenital myotonia, autosomal recessive form. Last evaluated: 2019-11-11. Review status: criteria provided, single submitter. Criteria: Classification criteria August 2017. Collection method: clinical testing. Allele origin: germline. Inheritance: Autosomal recessive inheritance. Affected: yes. Observed: 1 compound heterozygote.

Eurofins Ntd Llc (ga)
Classification: Pathogenic. Last evaluated: 2016-08-02. Review status: criteria provided, single submitter. Criteria: EGL Classification Definitions 2015. Collection method: clinical testing. Allele origin: germline. Observed: 1 variant allele, 1 heterozygote.

Clinical Genetics Service, Universitary Hospital 12 de Octubre
Classification: Pathogenic for Congenital myotonia, autosomal recessive form. Review status: criteria provided, single submitter. Criteria: ACMG Guidelines, 2015. Collection method: clinical testing. Allele origin: germline. Affected: yes.

Literature cited by the submitters: PubMed 9040760 (cited by 3 submitters); PubMed 18337730 (cited by 3 submitters); PubMed 22094069 (cited by 4 submitters); PubMed 23810313 (cited by 3 submitters); PubMed 24349310 (cited by 3 submitters); PubMed 24515601 (cited by Labcorp Genetics (formerly Invitae), Labcorp and Athena Diagnostics); PubMed 17576681 (cited by Labcorp Genetics (formerly Invitae), Labcorp); PubMed 9536098 (cited by Labcorp Genetics (formerly Invitae), Labcorp); PubMed 31544778 (cited by 4 submitters); PubMed 33263785 (cited by 3 submitters); PubMed 19606495 (cited by Dasa); PubMed 37355912 (cited by Dasa); PubMed 32117024 (cited by Dasa and Victorian Clinical Genetics Services, Murdoch Childrens Research Institute); PubMed 10533075 (cited by Athena Diagnostics and Mayo Clinic Laboratories, Mayo Clinic); PubMed 23739125 (cited by Athena Diagnostics); PubMed 12699527 (cited by Athena Diagnostics and Mayo Clinic Laboratories, Mayo Clinic); PubMed 28325641 (cited by Athena Diagnostics); PubMed 18337100 (cited by Athena Diagnostics and Mayo Clinic Laboratories, Mayo Clinic); PubMed 26502825 (cited by Athena Diagnostics); PubMed 9736777 (cited by Athena Diagnostics and Mayo Clinic Laboratories, Mayo Clinic); PubMed 11840191 (cited by Athena Diagnostics and Mayo Clinic Laboratories, Mayo Clinic); PubMed 34529042 (cited by Mayo Clinic Laboratories, Mayo Clinic); PubMed 36796140 (cited by Mayo Clinic Laboratories, Mayo Clinic); PubMed 20301529 (cited by Victorian Clinical Genetics Services, Murdoch Childrens Research Institute); PubMed 32010054 (cited by Victorian Clinical Genetics Services, Murdoch Childrens Research Institute).